The following is an entry in ClinVar:

NM_001292034.3(TAB2):c.1115G>A (p.Ser372Asn)

Genes: TAB2 (TGF-beta activated kinase 1 (MAP3K7) binding protein 2; plus strand), LOC126859827 (BRD4-independent group 4 enhancer GRCh37_chr6:149699707-149700906; plus strand). Cytogenetic location: 6q25.1.
Variant type: single nucleotide variant.
Coding change: c.1115G>A on transcript NM_001292034.3 (MANE Select); coding-DNA position 1115, G replaced by A.
Protein change: p.Ser372Asn; replaces serine 372 with asparagine.
Molecular consequence: missense variant.
Genome position (GRCh38, 1-based): chr6:149,379,030, G>A. VCF-style: chr6-149379030-G-A. GRCh37 (hg19) VCF-style: chr6-149700166-G-A.
Other names: c.1019G>A, p.Ser340Asn (NM_001292035.3); c.1115G>A, p.Ser372Asn (NM_001369506.1, NM_015093.6); short protein forms S372N, S340N.
Identifiers: ClinVar variation 3007363 (VCV003007363.4), dbSNP rs2483393232, ClinGen allele CA365997992.

ClinVar aggregate classification (germline): Uncertain significance. Review status: criteria provided, multiple submitters, no conflicts (2 of 4 stars). 2 submissions from 2 submitters: Uncertain significance (2). Last evaluated 2024-03-02.

Allele frequency attached by ClinVar (database versions not stated): gnomAD exomes below 0.00001.
gnomAD v4.1: 2 of 1,614,142 alleles (0.00012%); highest among the groups gnomAD compares: Admixed American, 0.0017%; no homozygotes.

Submissions (2):

Labcorp Genetics (formerly Invitae), Labcorp
Classification: Uncertain significance. Last evaluated: 2024-03-02. Review status: criteria provided, single submitter. Criteria: Invitae Variant Classification Sherloc (09022015). Collection method: clinical testing. Allele origin: germline.
Comment: This sequence change replaces serine, which is neutral and polar, with asparagine, which is neutral and polar, at codon 372 of the TAB2 protein (p.Ser372Asn). This variant is not present in population databases (gnomAD no frequency). This variant has not been reported in the literature in individuals affected with TAB2-related conditions. Advanced modeling of protein sequence and biophysical properties (such as structural, functional, and spatial information, amino acid conservation, physicochemical variation, residue mobility, and thermodynamic stability) performed at Invitae indicates that this missense variant is not expected to disrupt TAB2 protein function with a negative predictive value of 80%. In summary, the available evidence is currently insufficient to determine the role of this variant in disease. Therefore, it has been classified as a Variant of Uncertain Significance.

Blueprint Genetics
Classification: Uncertain significance. Last evaluated: 2023-11-22. Review status: criteria provided, single submitter. Criteria: ACMG Guidelines, 2015. Collection method: clinical testing. Allele origin: germline.